The following is an entry in ClinVar:

ClinVar aggregate classification (germline): Uncertain significance. Review status: criteria provided, multiple submitters, no conflicts (2 of 4 stars). 2 submissions from 2 submitters: Uncertain significance (2). Last evaluated 2022-06-29.

Allele frequency attached by ClinVar (database versions not stated): ExAC 0.00003; TOPMed 0.00005; ESP Exome Variant Server 0.00013; 1000 Genomes Project 0.00040; 1000 Genomes Project 30x 0.00047.

Submissions (2):

GeneDx
Classification: Uncertain significance. Last evaluated: 2022-06-29. Review status: criteria provided, single submitter. Criteria: GeneDx Variant Classification Process June 2021. Collection method: clinical testing. Allele origin: germline. Affected: yes.
Comment: Has not been previously published as pathogenic or benign to our knowledge; In silico analysis supports that this missense variant has a deleterious effect on protein structure/function

Breakthrough Genomics
Classification: Uncertain significance. Review status: criteria provided, single submitter. Criteria: ACMG Guidelines, 2015. Collection method: not provided. Allele origin: germline. Inheritance: Autosomal recessive inheritance. Affected: yes.

NM_001365276.2(TNXB):c.8341C>T (p.Arg2781Cys)

Gene: TNXB (tenascin XB; minus strand). Cytogenetic location: 6p21.33.
Variant type: single nucleotide variant.
Coding change: c.8341C>T on transcript NM_001365276.2 (MANE Select); coding-DNA position 8341, C replaced by T.
Protein change: p.Arg2781Cys; replaces arginine 2781 with cysteine.
Molecular consequence: missense variant.
Genome position (GRCh38, 1-based): chr6:32,055,977, G>A on the plus strand (C>T on the coding strand, the complement: TNXB is on the minus strand). VCF-style: chr6-32055977-G-A. GRCh37 (hg19) VCF-style: chr6-32023754-G-A.
Other names: c.8341C>T, p.Arg2781Cys (NM_019105.8); short protein forms R2781C.
Identifiers: ClinVar variation 1312808 (VCV001312808.4), dbSNP rs372960074, ClinGen allele CA3733879.